The following is an entry in ClinVar:

ClinVar aggregate classification (germline): Uncertain significance (1 of 4 stars; one submission).

Conditions:
Deficiency of alpha-mannosidase (MANSA). Also called: Mannosidosis, alpha-, types I and II; LYSOSOMAL ALPHA-D-MANNOSIDASE DEFICIENCY; Alpha-Mannosidosis. Identifiers: Orphanet 61, MedGen C0024748, MONDO:0009561, OMIM 248500.

Submission:

Labcorp Genetics (formerly Invitae), Labcorp
Classification: Uncertain significance for Deficiency of alpha-mannosidase. Last evaluated: 2024-12-02. Review status: criteria provided, single submitter. Criteria: Invitae Variant Classification Sherloc (09022015). Collection method: clinical testing. Allele origin: germline.
Comment: This sequence change replaces tyrosine, which is neutral and polar, with aspartic acid, which is acidic and polar, at codon 118 of the MAN2B1 protein (p.Tyr118Asp). This variant is not present in population databases (gnomAD no frequency). This variant has not been reported in the literature in individuals affected with MAN2B1-related conditions. ClinVar contains an entry for this variant (Variation ID: 2109517). Invitae Evidence Modeling of protein sequence and biophysical properties (such as structural, functional, and spatial information, amino acid conservation, physicochemical variation, residue mobility, and thermodynamic stability) has been performed for this missense variant. However, the output from this modeling did not meet the statistical confidence thresholds required to predict the impact of this variant on MAN2B1 protein function. In summary, the available evidence is currently insufficient to determine the role of this variant in disease. Therefore, it has been classified as a Variant of Uncertain Significance.

NM_000528.4(MAN2B1):c.352T>G (p.Tyr118Asp)

Gene: MAN2B1 (mannosidase alpha class 2B member 1; minus strand). Cytogenetic location: 19p13.13.
Variant type: single nucleotide variant.
Coding change: c.352T>G on transcript NM_000528.4 (MANE Select); coding-DNA position 352, T replaced by G.
Protein change: p.Tyr118Asp; replaces tyrosine 118 with aspartic acid.
Molecular consequence: missense variant.
Genome position (GRCh38, 1-based): chr19:12,665,436, A>C on the plus strand (T>G on the coding strand, the complement: MAN2B1 is on the minus strand). VCF-style: chr19-12665436-A-C. GRCh37 (hg19) VCF-style: chr19-12776250-A-C.
Other names: c.352T>G, p.Tyr118Asp (NM_001173498.2); short protein forms Y118D.
Identifiers: ClinVar variation 2109517 (VCV002109517.4), dbSNP rs2512516403, ClinGen allele CA404256621.